The following is an entry in ClinVar:

NM_005343.4(HRAS):c.383G>A (p.Arg128Gln)

Genes: HRAS (HRas proto-oncogene, GTPase; minus strand), LRRC56 (leucine rich repeat containing 56; plus strand). Cytogenetic location: 11p15.5.
Variant type: single nucleotide variant.
Coding change: c.383G>A on transcript NM_005343.4 (MANE Select); coding-DNA position 383, G replaced by A.
Protein change: p.Arg128Gln; replaces arginine 128 with glutamine.
Molecular consequence: missense variant.
Genome position (GRCh38, 1-based): chr11:533,520, C>T on the plus strand (G>A on the coding strand, the complement: HRAS is on the minus strand). VCF-style: chr11-533520-C-T. GRCh37 (hg19) VCF-style: chr11-533520-C-T.
Other names: c.383G>A, p.Arg128Gln (NM_001130442.3, NM_176795.5); c.64G>A, p.Gly22Ser (NM_001318054.2); short protein forms R128Q, G22S.
Identifiers: ClinVar variation 961076 (VCV000961076.10), dbSNP rs1554884794, ClinGen allele CA378923063.
Genomic context (GRCh38, chr11:533,520, plus strand): 5'-GTCTTGGCCGAGGTCTCGATGTAGGGGATGCCGTAGCTTCGGGCGAGGTCCTGAGCCTGC[C>T]GAGATTCCACAGTGCGTGCAGCCAGGTCACACTTGTTCCCCACCAGCACCATGGGCACGT-3'
Protein context (NP_005334.1, residues 118-138): CDLAARTVES[Arg128Gln]QAQDLARSYG

ClinVar aggregate classification (germline): Uncertain significance (1 of 4 stars; one submission).

Conditions:
Costello syndrome (CSTLO). Also called: FCS SYNDROME; HRAS-Related Costello Syndrome; FACIOCUTANEOSKELETAL SYNDROME. Identifiers: Orphanet 3071, MedGen C0587248, MONDO:0009026, OMIM 218040.

Submission:

Labcorp Genetics (formerly Invitae), Labcorp
Classification: Uncertain significance for Costello syndrome. Last evaluated: 2024-06-13. Review status: criteria provided, single submitter. Criteria: Invitae Variant Classification Sherloc (09022015). Collection method: clinical testing. Allele origin: germline.
Comment: This sequence change replaces arginine, which is basic and polar, with glutamine, which is neutral and polar, at codon 128 of the HRAS protein (p.Arg128Gln). This variant is not present in population databases (gnomAD no frequency). This variant has not been reported in the literature in individuals affected with HRAS-related conditions. ClinVar contains an entry for this variant (Variation ID: 961076). Advanced modeling of protein sequence and biophysical properties (such as structural, functional, and spatial information, amino acid conservation, physicochemical variation, residue mobility, and thermodynamic stability) performed at Invitae indicates that this missense variant is not expected to disrupt HRAS protein function with a negative predictive value of 95%. In summary, the available evidence is currently insufficient to determine the role of this variant in disease. Therefore, it has been classified as a Variant of Uncertain Significance.